The following is an entry in ClinVar:

NM_000535.7(PMS2):c.553G>A (p.Val185Ile)

Gene: PMS2 (PMS1 homolog 2, mismatch repair system component; minus strand). Cytogenetic location: 7p22.1.
Variant type: single nucleotide variant.
Coding change: c.553G>A on transcript NM_000535.7 (MANE Select); coding-DNA position 553, G replaced by A.
Protein change: p.Val185Ile; replaces valine 185 with isoleucine.
Molecular consequence: missense variant. On other transcripts: non-coding transcript variant (1), intron variant (3).
Genome position (GRCh38, 1-based): chr7:5,999,260, C>T on the plus strand (G>A on the coding strand, the complement: PMS2 is on the minus strand). VCF-style: chr7-5999260-C-T. GRCh37 (hg19) VCF-style: chr7-6038891-C-T.
Other names: c.235G>A, p.Val79Ile (NM_001322007.2, NM_001322008.2); c.148G>A, p.Val50Ile (NM_001322009.2, NM_001322010.2, NM_001322003.2 and 2 more transcripts); c.553G>A, p.Val185Ile (NM_001322014.2, NM_001322006.2); c.244G>A, p.Val82Ile (NM_001322015.2); c.133-1837G>A (NM_001322013.2); c.-347-34G>A (NM_001322012.2, NM_001322011.2); short protein forms V82I, V185I, V50I, V79I.
Identifiers: ClinVar variation 825815 (VCV000825815.15), dbSNP rs1583387731, ClinGen allele CA366744105.

ClinVar aggregate classification (germline): Uncertain significance. Review status: criteria provided, multiple submitters, no conflicts (2 of 4 stars). 3 submissions from 3 submitters: Uncertain significance (3). Last evaluated 2025-06-17.

Conditions:
Hereditary nonpolyposis colorectal neoplasms. Identifiers: MedGen C0009405, MeSH D003123.
Hereditary cancer-predisposing syndrome. Also called: Neoplastic Syndromes, Hereditary; Tumor predisposition; Hereditary neoplastic syndrome; Hereditary Cancer Syndrome. Identifiers: Orphanet 140162, MedGen C0027672, MeSH D009386, MONDO:0015356.

Allele frequency attached by ClinVar (database versions not stated): gnomAD exomes 0.00001.
gnomAD v4.1: 12 of 1,613,876 alleles (0.00074%); highest among the groups gnomAD compares: Non-Finnish European, 0.001%; no homozygotes.

Submissions (3):

Color Diagnostics, LLC DBA Color Health
Classification: Uncertain significance for Hereditary cancer-predisposing syndrome. Last evaluated: 2025-06-17. Review status: criteria provided, single submitter. Criteria: ACMG Guidelines, 2015. Collection method: clinical testing. Allele origin: germline.
Comment: This missense variant replaces valine with isoleucine at codon 185 of the PMS2 protein. Computational prediction suggests that this variant may not impact protein structure and function. To our knowledge, functional studies have not been reported for this variant. This variant has not been reported in individuals affected with PMS2-related disorders in the literature. This variant has not been identified in the general population by the Genome Aggregation Database (gnomAD). The available evidence is insufficient to determine the role of this variant in disease conclusively. Therefore, this variant is classified as a Variant of Uncertain Significance.

Labcorp Genetics (formerly Invitae), Labcorp
Classification: Uncertain significance for Hereditary nonpolyposis colorectal neoplasms. Last evaluated: 2025-03-14. Review status: criteria provided, single submitter. Criteria: Invitae Variant Classification Sherloc (09022015). Collection method: clinical testing. Allele origin: germline.
Comment: This sequence change replaces valine, which is neutral and non-polar, with isoleucine, which is neutral and non-polar, at codon 185 of the PMS2 protein (p.Val185Ile). This variant is not present in population databases (gnomAD no frequency). This variant has not been reported in the literature in individuals affected with PMS2-related conditions. ClinVar contains an entry for this variant (Variation ID: 825815). Invitae Evidence Modeling incorporating data from in vitro experimental studies (internal data) indicates that this missense variant is not expected to disrupt PMS2 function with a negative predictive value of 95%. In summary, the available evidence is currently insufficient to determine the role of this variant in disease. Therefore, it has been classified as a Variant of Uncertain Significance.

Ambry Genetics
Classification: Uncertain significance for Hereditary cancer-predisposing syndrome. Last evaluated: 2024-07-18. Review status: criteria provided, single submitter. Criteria: Ambry Variant Classification Scheme 2023. Collection method: clinical testing. Allele origin: germline.
Comment: The p.V185I variant (also known as c.553G>A), located in coding exon 6 of the PMS2 gene, results from a G to A substitution at nucleotide position 553. The valine at codon 185 is replaced by isoleucine, an amino acid with highly similar properties. This amino acid position is not well conserved in available vertebrate species. In addition, this alteration is predicted to be tolerated by in silico analysis. Based on the available evidence, the clinical significance of this variant remains unclear.